The following is an entry in ClinVar:

ClinVar aggregate classification (germline): Likely pathogenic (1 of 4 stars; one submission).

Conditions:
Pyruvate carboxylase deficiency. Also called: LEIGH NECROTIZING ENCEPHALOPATHY DUE TO PYRUVATE CARBOXYLASE DEFICIENCY; LEIGH SYNDROME DUE TO PYRUVATE CARBOXYLASE DEFICIENCY; PC DEFICIENCY; ATAXIA WITH LACTIC ACIDOSIS II; Pyruvate Carboxylase Deficiency Disease. Identifiers: Orphanet 3008, MedGen C0034341, MONDO:0009949, OMIM 266150.

Submission:

Labcorp Genetics (formerly Invitae), Labcorp
Classification: Likely pathogenic for Pyruvate carboxylase deficiency. Last evaluated: 2023-06-16. Review status: criteria provided, single submitter. Criteria: Invitae Variant Classification Sherloc (09022015). Collection method: clinical testing. Allele origin: germline.
Comment: In summary, the currently available evidence indicates that the variant is pathogenic, but additional data are needed to prove that conclusively. Therefore, this variant has been classified as Likely Pathogenic. Algorithms developed to predict the effect of sequence changes on RNA splicing suggest that this variant may disrupt the consensus splice site. ClinVar contains an entry for this variant (Variation ID: 1066275). This variant has not been reported in the literature in individuals affected with PC-related conditions. This variant is not present in population databases (gnomAD no frequency). This sequence change affects an acceptor splice site in intron 11 of the PC gene. It is expected to disrupt RNA splicing. Variants that disrupt the donor or acceptor splice site typically lead to a loss of protein function (PMID: 16199547), and loss-of-function variants in PC are known to be pathogenic (PMID: 12112657, 19306334).

Literature cited by the submitters: PubMed 16199547; PubMed 12112657; PubMed 19306334.

NM_001040716.2(PC):c.1369-1G>C

Gene: PC (pyruvate carboxylase; minus strand). Cytogenetic location: 11q13.2.
Variant type: single nucleotide variant.
Coding change: c.1369-1G>C on transcript NM_001040716.2 (MANE Select); the canonical splice acceptor site of the intron before coding-DNA position 1369, G replaced by C.
Molecular consequence: splice acceptor variant.
Genome position (GRCh38, 1-based): chr11:66,853,384, C>G on the plus strand (G>C on the coding strand, the complement: PC is on the minus strand). VCF-style: chr11-66853384-C-G. GRCh37 (hg19) VCF-style: chr11-66620855-C-G.
Other names: c.1369-1G>C (NM_000920.4, NM_022172.3).
Identifiers: ClinVar variation 1066275 (VCV001066275.7), dbSNP rs2135822173, ClinGen allele CA381496710.